The following is an entry in ClinVar:

NM_015922.3(NSDHL):c.*129C>T

Gene: NSDHL (NAD(P) dependent 3-beta-hydroxysteroid dehydrogenase NSDHL; plus strand). Cytogenetic location: Xq28.
Variant type: single nucleotide variant.
Coding change: c.*129C>T on transcript NM_015922.3 (MANE Select); 129 bases downstream of the stop codon, C replaced by T.
Molecular consequence: 3 prime UTR variant.
Genome position (GRCh38, 1-based): chrX:152,869,245, C>T. VCF-style: chrX-152869245-C-T. GRCh37 (hg19) VCF-style: chrX-152037789-C-T.
Other names: c.*129C>T (NM_001129765.2, NM_015922.2).
Identifiers: ClinVar variation 804099 (VCV000804099.4), dbSNP rs145978994, ClinGen allele CA337613866.
Genomic context (GRCh38, chrX:152,869,245, plus strand): 5'-AAATAACATCCTTTGAATGAGTTTGCTCTGAGCCTGTGACTCCTTCTGCTAGGCAGAGAG[C>T]GCACCCTACTCTTTCCGTGACGATGAGGGCGGCAAAAACAGACATTTCTTCCTTCATGGA-3'

ClinVar aggregate classification (germline): Benign/Likely benign. Review status: criteria provided, multiple submitters, no conflicts (2 of 4 stars). 3 submissions from 3 submitters: Benign (1); Likely benign (1). 1 of the submissions does not count toward it. Last evaluated 2024-10-03.

Conditions:
NSDHL-related disorder. Also called: NSDHL-related condition; NSDHL-Related Disorders. Identifiers: MedGen CN381535.
Child syndrome. Also called: CHILD (Congenital Hemidysplasia with Ichthyosiform Nevus and Limb Defects) Syndrome. Identifiers: Orphanet 139, MedGen C0265267, MONDO:0010621, OMIM 308050.

Allele frequency attached by ClinVar (database versions not stated): gnomAD 0.00030 and 0.00043; TOPMed 0.00050; gnomAD exomes 0.00056; 1000 Genomes Project 30x 0.00271; 1000 Genomes Project 0.00318.
gnomAD v4.1: 306 of 568,162 alleles (0.054%); highest among the groups gnomAD compares: East Asian, 0.63%; no homozygotes.

Submissions (3):

Blueprint Genetics
Classification: Likely benign. Last evaluated: 2024-10-03. Review status: criteria provided, single submitter. Criteria: ACMG Guidelines, 2015. Collection method: clinical testing. Allele origin: germline.

Mendelics
Classification: Benign for Child syndrome. Last evaluated: 2019-05-28. Review status: criteria provided, single submitter. Criteria: Mendelics Assertion Criteria 2017. Collection method: clinical testing. Allele origin: unknown.

PreventionGenetics, part of Exact Sciences
Classification: Likely benign for NSDHL-related condition. Last evaluated: 2019-11-27. Review status: no assertion criteria provided. Collection method: clinical testing. Allele origin: germline. Not counted in ClinVar's aggregate classification.
Comment: This variant is classified as likely benign based on ACMG/AMP sequence variant interpretation guidelines (Richards et al. 2015 PMID: 25741868, with internal and published modifications).